The following is an entry in ClinVar:

NM_002840.5(PTPRF):c.1821C>T (p.Ser607=)

Gene: PTPRF (protein tyrosine phosphatase receptor type F; plus strand). Cytogenetic location: 1p34.2.
Variant type: single nucleotide variant.
Coding change: c.1821C>T on transcript NM_002840.5 (MANE Select); coding-DNA position 1821, C replaced by T.
Protein change: p.Ser607=; no amino-acid change (serine 607 retained).
Molecular consequence: synonymous variant. On other transcripts: intron variant (4).
Genome position (GRCh38, 1-based): chr1:43,597,755, C>T. VCF-style: chr1-43597755-C-T. GRCh37 (hg19) VCF-style: chr1-44063426-C-T.
Other names: c.1821C>T, p.Ser607= (NM_130440.4); c.1844-965C>T (NM_001329138.2); c.1832-965C>T (NM_001329137.2); c.1814-965C>T (NM_001329139.2, NM_001329140.2).
Identifiers: ClinVar variation 3051896 (VCV003051896.2), dbSNP rs1318858989, ClinGen allele CA417438782.

ClinVar aggregate classification (germline): Likely benign (0 of 4 stars; one submission).

Conditions:
PTPRF-related disorder. Also called: PTPRF-related condition.

Allele frequency attached by ClinVar (database versions not stated): gnomAD 0.00001; TOPMed 0.00001.
gnomAD v4.1: 9 of 1,582,750 alleles (0.00057%); highest among the groups gnomAD compares: African/African-American, 0.0027%; no homozygotes.

Submission:

PreventionGenetics, part of Exact Sciences
Classification: Likely benign for PTPRF-related condition. Last evaluated: 2020-01-27. Review status: no assertion criteria provided. Collection method: clinical testing. Allele origin: germline.
Comment: This variant is classified as likely benign based on ACMG/AMP sequence variant interpretation guidelines (Richards et al. 2015 PMID: 25741868, with internal and published modifications).